The following is an entry in ClinVar:

NM_016734.3(PAX5):c.7T>G (p.Leu3Val)

Gene: PAX5 (paired box 5; minus strand). Cytogenetic location: 9p13.2.
Variant type: single nucleotide variant.
Coding change: c.7T>G on transcript NM_016734.3 (MANE Select); coding-DNA position 7, T replaced by G.
Protein change: p.Leu3Val; replaces leucine 3 with valine.
Molecular consequence: missense variant. On other transcripts: 5 prime UTR variant (2), non-coding transcript variant (2).
Genome position (GRCh38, 1-based): chr9:37,034,025, A>C on the plus strand (T>G on the coding strand, the complement: PAX5 is on the minus strand). VCF-style: chr9-37034025-A-C. GRCh37 (hg19) VCF-style: chr9-37034022-A-C.
Other names: c.7T>G, p.Leu3Val (NM_001280547.2, NM_001280548.2, NM_001280549.2 and 5 more transcripts); c.-152T>G (NM_001280551.2, NM_001280556.2); short protein forms L3V.
Identifiers: ClinVar variation 3928282 (VCV003928282.1).

ClinVar aggregate classification (germline): Uncertain significance (1 of 4 stars; one submission).

Conditions:
Inborn genetic diseases. Identifiers: MedGen C0950123, MeSH D030342.

Submission:

Ambry Genetics
Classification: Uncertain significance for Inborn genetic diseases. Last evaluated: 2025-03-29. Review status: criteria provided, single submitter. Criteria: Ambry Variant Classification Scheme 2023. Collection method: clinical testing. Allele origin: germline.
Comment: The p.L3V variant (also known as c.7T>G), located in coding exon 1 of the PAX5 gene, results from a T to G substitution at nucleotide position 7. The leucine at codon 3 is replaced by valine, an amino acid with highly similar properties. This amino acid position is conserved. In addition, the in silico prediction for this alteration is inconclusive. Based on the available evidence, the clinical significance of this variant remains unclear.